The following is an entry in ClinVar:

ClinVar aggregate classification (germline): Benign. Review status: criteria provided, multiple submitters, no conflicts (2 of 4 stars). 3 submissions from 3 submitters: Benign (2). 1 of the submissions does not count toward it. Last evaluated 2019-07-18.

Allele frequency attached by ClinVar (database versions not stated): gnomAD 0.11823 and 0.12850; 1000 Genomes Project 30x 0.23829; gnomAD exomes 0.19467 and 0.14253; 1000 Genomes Project 0.24318; ESP Exome Variant Server 0.08937; ExAC 0.18478; TOPMed 0.13887.
gnomAD v4.1: 171,316 of 1,209,080 alleles (14%); highest among the groups gnomAD compares: East Asian, 70%; 12,954 homozygotes.

Submissions (3):

GeneDx
Classification: Benign. Last evaluated: 2019-07-18. Review status: criteria provided, single submitter. Criteria: GeneDx Variant Classification Process June 2021. Collection method: clinical testing. Allele origin: germline. Affected: yes.

Breakthrough Genomics
Classification: Benign. Review status: criteria provided, single submitter. Criteria: ACMG Guidelines, 2015. Collection method: not provided. Allele origin: germline. Inheritance: X-linked inheritance. Affected: yes.

Genetic Services Laboratory, University of Chicago
Classification: Likely benign for AllHighlyPenetrant. Review status: no assertion criteria provided. Collection method: clinical testing. Allele origin: germline. Inheritance: X-linked inheritance. Not counted in ClinVar's aggregate classification.
Comment: Likely benign based on allele frequency in 1000 Genomes Project or ESP global frequency and its presence in a patient with a rare or unrelated disease phenotype. NOT Sanger confirmed.

NM_001368397.1(FRMPD4):c.1401C>G (p.Val467=)

Gene: FRMPD4 (FERM and PDZ domain containing 4; plus strand). Cytogenetic location: Xp22.2.
Variant type: single nucleotide variant.
Coding change: c.1401C>G on transcript NM_001368397.1 (MANE Select); coding-DNA position 1401, C replaced by G.
Protein change: p.Val467=; no amino-acid change (valine 467 retained).
Molecular consequence: synonymous variant.
Genome position (GRCh38, 1-based): chrX:12,707,582, C>G. VCF-style: chrX-12707582-C-G. GRCh37 (hg19) VCF-style: chrX-12725701-C-G.
Other names: c.1512C>G, p.Val504= (NM_001368395.3, NM_001368398.3); c.1407C>G, p.Val469= (NM_001368396.3); c.1392C>G, p.Val464= (NM_001368399.3); c.1281C>G, p.Val427= (NM_001368400.3); c.1377C>G, p.Val459= (NM_001368401.1, NM_001368402.3); c.1401C>G, p.Val467= (NM_014728.3).
Identifiers: ClinVar variation 129113 (VCV000129113.9), dbSNP rs6641078, ClinGen allele CA152908.